The following is an entry in ClinVar:

ClinVar aggregate classification (germline): Uncertain significance. Review status: criteria provided, multiple submitters, no conflicts (2 of 4 stars). 2 submissions from 2 submitters: Uncertain significance (2). Last evaluated 2022-08-04.

Conditions:
Trichohepatoenteric syndrome 2 (THES2). Identifiers: Orphanet 84064, MedGen C3281289, MONDO:0013818, OMIM 614602.

Allele frequency attached by ClinVar (database versions not stated): ExAC 0.00002; gnomAD exomes 0.00002 and 0.00004; TOPMed 0.00002; gnomAD 0.00003; 1000 Genomes Project 0.00020; 1000 Genomes Project 30x 0.00031.
gnomAD v4.1: 69 of 1,612,926 alleles (0.0043%); highest among the groups gnomAD compares: African/African-American, 0.0053%; no homozygotes.

Submissions (2):

Labcorp Genetics (formerly Invitae), Labcorp
Classification: Uncertain significance. Last evaluated: 2022-08-04. Review status: criteria provided, single submitter. Criteria: Invitae Variant Classification Sherloc (09022015). Collection method: clinical testing. Allele origin: germline.
Comment: This sequence change replaces valine, which is neutral and non-polar, with methionine, which is neutral and non-polar, at codon 902 of the SKIV2L protein (p.Val902Met). This variant is present in population databases (rs578239723, gnomAD 0.01%). This variant has not been reported in the literature in individuals affected with SKIV2L-related conditions. ClinVar contains an entry for this variant (Variation ID: 906410). Algorithms developed to predict the effect of missense changes on protein structure and function output the following: SIFT: "Tolerated"; PolyPhen-2: "Benign"; Align-GVGD: "Class C0". The methionine amino acid residue is found in multiple mammalian species, which suggests that this missense change does not adversely affect protein function. In summary, the available evidence is currently insufficient to determine the role of this variant in disease. Therefore, it has been classified as a Variant of Uncertain Significance.

Illumina Laboratory Services, Illumina
Classification: Uncertain significance for Trichohepatoenteric syndrome 2. Last evaluated: 2018-01-12. Review status: criteria provided, single submitter. Criteria: ICSL Variant Classification Criteria 13 December 2019. Collection method: clinical testing. Allele origin: germline.

NM_006929.5(SKIC2):c.2704G>A (p.Val902Met)

Gene: SKIC2 (SKI2 subunit of superkiller complex; plus strand). Cytogenetic location: 6p21.33.
Variant type: single nucleotide variant.
Coding change: c.2704G>A on transcript NM_006929.5 (MANE Select); coding-DNA position 2704, G replaced by A.
Protein change: p.Val902Met; replaces valine 902 with methionine.
Molecular consequence: missense variant.
Genome position (GRCh38, 1-based): chr6:31,967,835, G>A. VCF-style: chr6-31967835-G-A. GRCh37 (hg19) VCF-style: chr6-31935612-G-A.
Other names: short protein forms V902M.
Identifiers: ClinVar variation 906410 (VCV000906410.10), dbSNP rs578239723, ClinGen allele CA3729850.